The following is an entry in ClinVar:

NM_024529.5(CDC73):c.113C>A (p.Thr38Asn)

Gene: CDC73 (cell division cycle 73; plus strand). Cytogenetic location: 1q31.2.
Variant type: single nucleotide variant.
Coding change: c.113C>A on transcript NM_024529.5 (MANE Select); coding-DNA position 113, C replaced by A.
Protein change: p.Thr38Asn; replaces threonine 38 with asparagine.
Molecular consequence: missense variant.
Genome position (GRCh38, 1-based): chr1:193,122,313, C>A. VCF-style: chr1-193122313-C-A. GRCh37 (hg19) VCF-style: chr1-193091443-C-A.
Other names: short protein forms T38N.
Identifiers: ClinVar variation 3574797 (VCV003574797.2).

ClinVar aggregate classification (germline): Uncertain significance. Review status: criteria provided, multiple submitters, no conflicts (2 of 4 stars). 2 submissions from 2 submitters: Uncertain significance (2). Last evaluated 2025-04-20.

Conditions:
Hyperparathyroidism 2 with jaw tumors. Also called: Hyperparathyroidism 2; HYPERPARATHYROIDISM, FAMILIAL PRIMARY, WITH MULTIPLE OSSIFYING JAW FIBROMAS; HYPERPARATHYROIDISM-JAW TUMOR SYNDROME, HEREDITARY; Hyperparathyroidism-Jaw Tumor Syndrome. Identifiers: Orphanet 99880, MedGen C1704981, MONDO:0007768, OMIM 145001.
Hyperparathyroidism 1 (HRPT1). Also called: HYPERPARATHYROIDISM, FAMILIAL ISOLATED PRIMARY. Identifiers: Orphanet 99879, MedGen C1840402, MONDO:0007767, OMIM 145000.
Parathyroid carcinoma (PRTC). Also called: CDC73-Related Parathyroid Carcinoma; Parathyroid gland carcinoma. Identifiers: Orphanet 143, MedGen C0687150, MONDO:0012004, OMIM 608266, HP:0006780.

Submissions (2):

Labcorp Genetics (formerly Invitae), Labcorp
Classification: Uncertain significance for Parathyroid carcinoma. Last evaluated: 2025-04-20. Review status: criteria provided, single submitter. Criteria: Invitae Variant Classification Sherloc (09022015). Collection method: clinical testing. Allele origin: germline.
Comment: This sequence change replaces threonine, which is neutral and polar, with asparagine, which is neutral and polar, at codon 38 of the CDC73 protein (p.Thr38Asn). This variant is not present in population databases (gnomAD no frequency). This variant has not been reported in the literature in individuals affected with CDC73-related conditions. ClinVar contains an entry for this variant (Variation ID: 3574797). Invitae Evidence Modeling of protein sequence and biophysical properties (such as structural, functional, and spatial information, amino acid conservation, physicochemical variation, residue mobility, and thermodynamic stability) indicates that this missense variant is expected to disrupt CDC73 protein function with a positive predictive value of 80%. In summary, the available evidence is currently insufficient to determine the role of this variant in disease. Therefore, it has been classified as a Variant of Uncertain Significance.

Fulgent Genetics
Classification: Uncertain significance for Hyperparathyroidism 1; Hyperparathyroidism 2 with jaw tumors; Parathyroid carcinoma. Last evaluated: 2024-02-01. Review status: criteria provided, single submitter. Criteria: ACMG Guidelines, 2015. Collection method: clinical testing. Allele origin: germline.